The following is an entry in ClinVar:

ClinVar aggregate classification (germline): Uncertain significance (1 of 4 stars; one submission).

Conditions:
Hereditary cancer-predisposing syndrome. Also called: Neoplastic Syndromes, Hereditary; Tumor predisposition; Hereditary neoplastic syndrome; Hereditary Cancer Syndrome. Identifiers: Orphanet 140162, MedGen C0027672, MeSH D009386, MONDO:0015356.

Submission:

Ambry Genetics
Classification: Uncertain significance for Hereditary cancer-predisposing syndrome. Last evaluated: 2023-01-03. Review status: criteria provided, single submitter. Criteria: Ambry Variant Classification Scheme 2023. Collection method: clinical testing. Allele origin: germline.
Comment: The c.819+5T>G intronic variant results from a T to G substitution 5 nucleotides after coding exon 6 in the CDK4 gene. This nucleotide position is well conserved in available vertebrate species. In silico splice site analysis predicts that this alteration will not have any significant effect on splicing. Since supporting evidence is limited at this time, the clinical significance of this alteration remains unclear.

NM_000075.4(CDK4):c.819+5T>G

Genes: CDK4 (cyclin dependent kinase 4; minus strand), TSPAN31 (tetraspanin 31; plus strand). Cytogenetic location: 12q14.1.
Variant type: single nucleotide variant.
Coding change: c.819+5T>G on transcript NM_000075.4 (MANE Select); 5 bases into the intron after coding-DNA position 819, T replaced by G.
Molecular consequence: intron variant. On other transcripts: 3 prime UTR variant (3).
Genome position (GRCh38, 1-based): chr12:57,749,177, A>C on the plus strand (T>G on the coding strand, the complement: CDK4 is on the minus strand). VCF-style: chr12-57749177-A-C. GRCh37 (hg19) VCF-style: chr12-58142960-A-C.
Other names: c.*1887A>C (NM_001330168.2, NM_001330169.2, NM_005981.5).
Identifiers: ClinVar variation 2452469 (VCV002452469.2), dbSNP rs2140382575, ClinGen allele CA2580086588.
Genomic context (GRCh38, chr12:57,749,177, plus strand): 5'-CATACTGCTCTATTTCTTTCCCCAGTCTCTATTTCTTTCCCTGTGCCCACAGCCATCTCC[A>C]GTACCAGCAGCAGCTGTGCTCCCGACTCCTCCATCTCAGGTACCACCGACTGCACTGGGC-3'